The following is an entry in ClinVar:

NM_001046.3(SLC12A2):c.3139A>G (p.Lys1047Glu)

Gene: SLC12A2 (solute carrier family 12 member 2; plus strand). Cytogenetic location: 5q23.3.
Variant type: single nucleotide variant.
Coding change: c.3139A>G on transcript NM_001046.3 (MANE Select); coding-DNA position 3139, A replaced by G.
Protein change: p.Lys1047Glu; replaces lysine 1047 with glutamic acid.
Molecular consequence: missense variant. On other transcripts: non-coding transcript variant (1).
Genome position (GRCh38, 1-based): chr5:128,180,921, A>G. VCF-style: chr5-128180921-A-G. GRCh37 (hg19) VCF-style: chr5-127516613-A-G.
Other names: c.3091A>G, p.Lys1031Glu (NM_001256461.2); short protein forms K1031E, K1047E.
Identifiers: ClinVar variation 1520335 (VCV001520335.6), dbSNP rs770314166, ClinGen allele CA360739426.

ClinVar aggregate classification (germline): Uncertain significance (1 of 4 stars; one submission).

Allele frequency attached by ClinVar (database versions not stated): TOPMed below 0.00001.
gnomAD v4.1: 1 of 1,611,952 alleles (0.000062%); highest among the groups gnomAD compares: Non-Finnish European, 0.000085%; no homozygotes.

Submission:

Labcorp Genetics (formerly Invitae), Labcorp
Classification: Uncertain significance. Last evaluated: 2022-04-23. Review status: criteria provided, single submitter. Criteria: Invitae Variant Classification Sherloc (09022015). Collection method: clinical testing. Allele origin: germline.
Comment: This sequence change replaces lysine, which is basic and polar, with glutamic acid, which is acidic and polar, at codon 1047 of the SLC12A2 protein (p.Lys1047Glu). In summary, the available evidence is currently insufficient to determine the role of this variant in disease. Therefore, it has been classified as a Variant of Uncertain Significance. Algorithms developed to predict the effect of missense changes on protein structure and function are either unavailable or do not agree on the potential impact of this missense change (SIFT: "Tolerated"; PolyPhen-2: "Possibly Damaging"; Align-GVGD: "Class C0"). This variant has not been reported in the literature in individuals affected with SLC12A2-related conditions. This variant is not present in population databases (gnomAD no frequency).